The following is an entry in ClinVar:

ClinVar aggregate classification (germline): Conflicting classifications of pathogenicity. Review status: criteria provided, conflicting classifications (1 of 4 stars). 2 submissions from 2 submitters: Uncertain significance (1); Likely benign (1). Last evaluated 2024-07-22.

Submissions (2):

Blueprint Genetics
Classification: Likely benign. Last evaluated: 2024-07-22. Review status: criteria provided, single submitter. Criteria: ACMG Guidelines, 2015. Collection method: clinical testing. Allele origin: germline.

Labcorp Genetics (formerly Invitae), Labcorp
Classification: Uncertain significance. Last evaluated: 2024-03-24. Review status: criteria provided, single submitter. Criteria: Invitae Variant Classification Sherloc (09022015). Collection method: clinical testing. Allele origin: germline.
Comment: This variant, c.2881_2883del, results in the deletion of 1 amino acid(s) of the KIF11 protein (p.Met961del), but otherwise preserves the integrity of the reading frame. This variant is present in population databases (rs759907551, gnomAD 0.004%). This variant has not been reported in the literature in individuals affected with KIF11-related conditions. Experimental studies and prediction algorithms are not available or were not evaluated, and the functional significance of this variant is currently unknown. In summary, the available evidence is currently insufficient to determine the role of this variant in disease. Therefore, it has been classified as a Variant of Uncertain Significance.

NM_004523.4(KIF11):c.2878ATG[1] (p.Met961del)

Gene: KIF11 (kinesin family member 11; plus strand). Cytogenetic location: 10q23.33.
Variant type: Microsatellite.
Coding change: c.2878ATG[1] on transcript NM_004523.4 (MANE Select); one copy of the 3-base unit ATG starting at c.2878; the reference has two copies in a row; one copy, 3 bases deleted.
Protein change: p.Met961del; deletes methionine 961.
Molecular consequence: inframe deletion.
Genome position (GRCh38, 1-based): chr10:92,649,945-92,649,947, ATG deleted; deleting any 3 consecutive bases within chr10:92,649,942-92,649,947 gives the same sequence; the position shown is the placement nearest the transcript's 3' end. VCF-style (leftmost placement, unchanged base first): chr10-92649941-AATG-A. GRCh37 (hg19) VCF-style: chr10-94409698-AATG-A.
Other names: short protein forms M961del.
Identifiers: ClinVar variation 1477765 (VCV001477765.7), dbSNP rs759907551, ClinGen allele CA5604482.
Genomic context (GRCh38, chr10:92,649,941, plus strand): 5'-AAGAACTGAACCACGTGAACATCTCCTTGATCAGCTGAAAAGGAAACAGCCTGAGCTGTT[AATG>A]ATGCTAAACTGTTCAGAAAACAACAAAGAAGAGACAATTCCGGTAAATTTAAAGGATCAT-3'